The following is an entry in ClinVar:

NM_000245.4(MET):c.36C>A (p.Leu12=)

Gene: MET (MET proto-oncogene, receptor tyrosine kinase; plus strand). Cytogenetic location: 7q31.2.
Variant type: single nucleotide variant.
Coding change: c.36C>A on transcript NM_000245.4 (MANE Select); coding-DNA position 36, C replaced by A.
Protein change: p.Leu12=; no amino-acid change (leucine 12 retained).
Molecular consequence: synonymous variant. On other transcripts: intron variant (1).
Genome position (GRCh38, 1-based): chr7:116,699,120, C>A. VCF-style: chr7-116699120-C-A. GRCh37 (hg19) VCF-style: chr7-116339174-C-A.
Other names: c.36C>A, p.Leu12= (NM_001127500.3, NM_001324401.3); c.-91+26543C>A (NM_001324402.2).
Identifiers: ClinVar variation 641845 (VCV000641845.15), dbSNP rs188625702, ClinGen allele CA4447933.
Genomic context (GRCh38, chr7:116,699,120, plus strand): 5'-TGTTTTGGCAGATAAACCTCTCATAATGAAGGCCCCCGCTGTGCTTGCACCTGGCATCCT[C>A]GTGCTCCTGTTTACCTTGGTGCAGAGGAGCAATGGGGAGTGTAAAGAGGCACTAGCAAAG-3'
Protein context (NP_000236.2, residues 2-22): KAPAVLAPGI[Leu12=]VLLFTLVQRS

ClinVar aggregate classification (germline): Benign/Likely benign. Review status: criteria provided, multiple submitters, no conflicts (2 of 4 stars). 3 submissions from 3 submitters: Benign (1); Likely benign (2). Last evaluated 2024-11-05.

Conditions:
Hereditary cancer-predisposing syndrome. Also called: Neoplastic Syndromes, Hereditary; Tumor predisposition; Hereditary neoplastic syndrome; Hereditary Cancer Syndrome. Identifiers: Orphanet 140162, MedGen C0027672, MeSH D009386, MONDO:0015356.
Renal cell carcinoma. Identifiers: Orphanet 217071, MedGen C0007134, MeSH D002292, MONDO:0005086, HP:0005584.
Papillary renal cell carcinoma type 1 (RCCP1). Also called: Renal adenocarcinoma; Renal cell carcinoma 1; Renal cell carcinoma, somatic; RENAL CELL CARCINOMA, PAPILLARY, 1, SOMATIC. Identifiers: Orphanet 47044, MedGen C1336839, OMIM 605074, HP:0011797.

gnomAD v4.1: 1 of 1,613,878 alleles (0.000062%); highest among the groups gnomAD compares: Non-Finnish European, 0.000085%; no homozygotes.

Submissions (3):

Myriad Genetics, Inc.
Classification: Benign for Papillary renal cell carcinoma type 1. Last evaluated: 2024-11-05. Review status: criteria provided, single submitter. Criteria: Myriad Autosomal Dominant, Autosomal Recessive and X-Linked Classification Criteria (2023). Collection method: clinical testing. Allele origin: unknown.
Comment: This variant is considered benign. This variant is a silent/synonymous amino acid change and it is not expected to impact splicing.

Labcorp Genetics (formerly Invitae), Labcorp
Classification: Likely benign for Renal cell carcinoma. Last evaluated: 2024-04-01. Review status: criteria provided, single submitter. Criteria: Invitae Variant Classification Sherloc (09022015). Collection method: clinical testing. Allele origin: germline.

Ambry Genetics
Classification: Likely benign for Hereditary cancer-predisposing syndrome. Last evaluated: 2019-07-17. Review status: criteria provided, single submitter. Criteria: Ambry Variant Classification Scheme 2023. Collection method: clinical testing. Allele origin: germline.